The following is an entry in ClinVar:

NM_024818.6(UBA5):c.948+5A>G

Genes: NPHP3-ACAD11 (NPHP3-ACAD11 readthrough (NMD candidate); minus strand), UBA5 (ubiquitin like modifier activating enzyme 5; plus strand). Cytogenetic location: 3q22.1.
Variant type: single nucleotide variant.
Coding change: c.948+5A>G on transcript NM_024818.6 (MANE Select); 5 bases into the intron after coding-DNA position 948, A replaced by G.
Molecular consequence: intron variant.
Genome position (GRCh38, 1-based): chr3:132,675,388, A>G. VCF-style: chr3-132675388-A-G. GRCh37 (hg19) VCF-style: chr3-132394232-A-G.
Other names: c.780+5A>G (NM_198329.4, NM_001320210.2); c.612+5A>G (NM_001321239.1); c.678+5A>G (NM_001321238.2).
Identifiers: ClinVar variation 1503925 (VCV001503925.3), dbSNP rs530180409, ClinGen allele CA2621485.

ClinVar aggregate classification (germline): Uncertain significance (1 of 4 stars; one submission).

Allele frequency attached by ClinVar (database versions not stated): gnomAD exomes below 0.00001 and 0.00001; gnomAD 0.00001; TOPMed 0.00001; ExAC 0.00002; 1000 Genomes Project 0.00020; 1000 Genomes Project 30x 0.00031.
gnomAD v4.1: 7 of 1,613,242 alleles (0.00043%); highest among the groups gnomAD compares: African/African-American, 0.0053%; no homozygotes.

Submission:

Labcorp Genetics (formerly Invitae), Labcorp
Classification: Uncertain significance. Last evaluated: 2021-05-06. Review status: criteria provided, single submitter. Criteria: Invitae Variant Classification Sherloc (09022015). Collection method: clinical testing. Allele origin: germline.
Comment: This sequence change falls in intron 9 of the UBA5 gene. It does not directly change the encoded amino acid sequence of the UBA5 protein. It affects a nucleotide within the consensus splice site of the intron. This variant is present in population databases (rs530180409, ExAC 0.01%). This variant has not been reported in the literature in individuals with UBA5-related conditions. Nucleotide substitutions within the consensus splice site are a relatively common cause of aberrant splicing (PMID: 17576681, 9536098). Experimental studies and prediction algorithms are not available or were not evaluated, and the effect of this variant on mRNA splicing is currently unknown. In summary, the available evidence is currently insufficient to determine the role of this variant in disease. Therefore, it has been classified as a Variant of Uncertain Significance.

Literature cited by the submitters: PubMed 17576681; PubMed 9536098.